The following is an entry in ClinVar:

ClinVar aggregate classification (germline): Uncertain significance (1 of 4 stars; one submission).

Allele frequency attached by ClinVar (database versions not stated): 1000 Genomes Project 30x 0.00016.
gnomAD v4.1: 113 of 1,614,182 alleles (0.007%); highest among the groups gnomAD compares: Non-Finnish European, 0.0094%; no homozygotes.

Submission:

Labcorp Genetics (formerly Invitae), Labcorp
Classification: Uncertain significance. Last evaluated: 2022-06-22. Review status: criteria provided, single submitter. Criteria: Invitae Variant Classification Sherloc (09022015). Collection method: clinical testing. Allele origin: germline.
Comment: This sequence change replaces serine, which is neutral and polar, with isoleucine, which is neutral and non-polar, at codon 55 of the C8B protein (p.Ser55Ile). This variant is present in population databases (rs144586148, gnomAD 0.004%). This variant has not been reported in the literature in individuals affected with C8B-related conditions. Algorithms developed to predict the effect of missense changes on protein structure and function are either unavailable or do not agree on the potential impact of this missense change (SIFT: "Deleterious"; PolyPhen-2: "Probably Damaging"; Align-GVGD: "Class C0"). In summary, the available evidence is currently insufficient to determine the role of this variant in disease. Therefore, it has been classified as a Variant of Uncertain Significance.

NM_000066.4(C8B):c.164G>T (p.Ser55Ile)

Gene: C8B (complement C8 beta chain; minus strand). Cytogenetic location: 1p32.2.
Variant type: single nucleotide variant.
Coding change: c.164G>T on transcript NM_000066.4 (MANE Select); coding-DNA position 164, G replaced by T.
Protein change: p.Ser55Ile; replaces serine 55 with isoleucine.
Molecular consequence: missense variant. On other transcripts: 5 prime UTR variant (1).
Genome position (GRCh38, 1-based): chr1:56,960,105, C>A on the plus strand (G>T on the coding strand, the complement: C8B is on the minus strand). VCF-style: chr1-56960105-C-A. GRCh37 (hg19) VCF-style: chr1-57425778-C-A.
Other names: c.8G>T, p.Ser3Ile (NM_001278543.2); c.-152G>T (NM_001278544.2); short protein forms S55I, S3I.
Identifiers: ClinVar variation 2180292 (VCV002180292.1), dbSNP rs144586148, ClinGen allele CA876084.